The following is an entry in ClinVar:

ClinVar aggregate classification (germline): Uncertain significance (0 of 4 stars; one submission).

Conditions:
SHH-related disorder. Also called: SHH-related condition; SHH-related disorders.

Allele frequency attached by ClinVar (database versions not stated): gnomAD 0.00001; TOPMed 0.00001.
gnomAD v4.1: 1 of 152,160 alleles (0.00066%); highest among the groups gnomAD compares: South Asian, 0.021%; no homozygotes.

Submission:

PreventionGenetics, part of Exact Sciences
Classification: Uncertain significance for SHH-related condition. Last evaluated: 2023-12-12. Review status: no assertion criteria provided. Collection method: clinical testing. Allele origin: germline.
Comment: The SHH c.-978990A>G variant is located in the 5' untranslated region. To our knowledge, this variant has not been reported in the literature or in a large population database, indicating this variant is rare. At this time, the clinical significance of this variant is uncertain due to the absence of conclusive functional and genetic evidence.

NC_000007.14:g.156791112T>C

Genes: LMBR1 (limb development membrane protein 1; minus strand), SHH (sonic hedgehog signaling molecule; minus strand), ZRS (ZPA regulatory sequence; plus strand). Cytogenetic location: 7q36.3.
Variant type: single nucleotide variant.
Molecular consequence: intron variant (on NM_022458.4).
Genome position: GRCh38 VCF-style: chr7-156791112-T-C. GRCh37 (hg19) VCF-style: chr7-156583806-T-C.
Other names: c.360+5277A>G (NM_001363412.2); c.144+5277A>G (NM_001350954.2); c.423+5277A>G (NM_001363410.2, NM_022458.4, NM_001363409.2 and 1 more transcripts); c.-112+5277A>G (NM_001350958.2, NM_001350956.2, NM_001350955.2 and 1 more transcripts); c.54+5277A>G (NM_001350957.2, NM_001363411.2).
Identifiers: ClinVar variation 3031007 (VCV003031007.2), dbSNP rs1241709881, ClinGen allele CA835804326.